The following is an entry in ClinVar:

ClinVar aggregate classification (germline): Likely benign. Review status: criteria provided, multiple submitters, no conflicts (2 of 4 stars). 3 submissions from 3 submitters: Likely benign (3). Last evaluated 2024-04-22.

Allele frequency attached by ClinVar (database versions not stated): TOPMed below 0.00001; gnomAD 0.00001; gnomAD exomes 0.00001.

Submissions (3):

Blueprint Genetics
Classification: Likely benign. Last evaluated: 2024-04-22. Review status: criteria provided, single submitter. Criteria: ACMG Guidelines, 2015. Collection method: clinical testing. Allele origin: germline.

Labcorp Genetics (formerly Invitae), Labcorp
Classification: Likely benign. Last evaluated: 2024-03-29. Review status: criteria provided, single submitter. Criteria: Invitae Variant Classification Sherloc (09022015). Collection method: clinical testing. Allele origin: germline.

Laboratory for Molecular Medicine, Mass General Brigham Personalized Medicine
Classification: Likely benign. Last evaluated: 2016-04-12. Review status: criteria provided, single submitter. Criteria: LMM Criteria. Collection method: clinical testing. Allele origin: germline. Observed: 1 variant allele.
Comment: p.Leu34Leu in exon 2 of DFNB59: This variant is not expected to have clinical si gnificance because it does not alter an amino acid residue and is not located wi thin the splice consensus sequence.

NM_001042702.5(PJVK):c.102A>T (p.Leu34=)

Gene: PJVK (pejvakin; plus strand). Cytogenetic location: 2q31.2.
Variant type: single nucleotide variant.
Coding change: c.102A>T on transcript NM_001042702.5 (MANE Select); coding-DNA position 102, A replaced by T.
Protein change: p.Leu34=; no amino-acid change (leucine 34 retained).
Molecular consequence: synonymous variant. On other transcripts: 5 prime UTR variant (1), intron variant (1).
Genome position (GRCh38, 1-based): chr2:178,453,511, A>T. VCF-style: chr2-178453511-A-T. GRCh37 (hg19) VCF-style: chr2-179318238-A-T.
Other names: c.111A>T, p.Leu37= (NM_001353775.2); c.207A>T, p.Leu69= (NM_001353776.2); c.-376A>T (NM_001353778.2); c.102A>T, p.Leu34= (NM_001369912.1); c.-334-42A>T (NM_001353777.1).
Identifiers: ClinVar variation 504900 (VCV000504900.8), dbSNP rs1376281701, ClinGen allele CA430077853.